The following is an entry in ClinVar:

ClinVar aggregate classification (germline): Uncertain significance. Review status: criteria provided, multiple submitters, no conflicts (2 of 4 stars). 3 submissions from 3 submitters: Uncertain significance (3). Last evaluated 2024-05-22.

Conditions:
Autosomal recessive nonsyndromic hearing loss 28. Identifiers: Orphanet 90636, MedGen C1853276, MONDO:0012355, OMIM 609823.

Allele frequency attached by ClinVar (database versions not stated): 1000 Genomes Project 0.00040; TOPMed 0.00004; gnomAD 0.00008 and 0.00009; 1000 Genomes Project 30x 0.00031.
gnomAD v4.1: 40 of 1,569,006 alleles (0.0025%); highest among the groups gnomAD compares: East Asian, 0.054%; no homozygotes.

Submissions (3):

Blueprint Genetics
Classification: Uncertain significance. Last evaluated: 2024-05-22. Review status: criteria provided, single submitter. Criteria: ACMG Guidelines, 2015. Collection method: clinical testing. Allele origin: germline.

GeneDx
Classification: Uncertain significance. Last evaluated: 2022-03-22. Review status: criteria provided, single submitter. Criteria: GeneDx Variant Classification Process June 2021. Collection method: clinical testing. Allele origin: germline. Affected: yes.
Comment: In silico analysis supports that this missense variant has a deleterious effect on protein structure/function; Has not been previously published as pathogenic or benign to our knowledge

Juno Genomics, Hangzhou Juno Genomics, Inc
Classification: Uncertain significance for Autosomal recessive nonsyndromic hearing loss 28. Review status: criteria provided, single submitter. Criteria: ACMG Guidelines, 2015. Collection method: clinical testing. Allele origin: germline.
Comment: Absent from controls (or at extremely low frequency if recessive) in Genome Aggregation Database.;Multiple lines of computational evidence support a deleterious effect on the gene or gene product.

NM_001039141.3(TRIOBP):c.5818C>T (p.Arg1940Cys)

Gene: TRIOBP (TRIO and F-actin binding protein; plus strand). Cytogenetic location: 22q13.1.
Variant type: single nucleotide variant.
Coding change: c.5818C>T on transcript NM_001039141.3 (MANE Select); coding-DNA position 5818, C replaced by T.
Protein change: p.Arg1940Cys; replaces arginine 1940 with cysteine.
Molecular consequence: missense variant.
Genome position (GRCh38, 1-based): chr22:37,757,743, C>T. VCF-style: chr22-37757743-C-T. GRCh37 (hg19) VCF-style: chr22-38153750-C-T.
Other names: c.679C>T, p.Arg227Cys (NM_007032.5, NM_138632.2); short protein forms R1940C, R227C.
Identifiers: ClinVar variation 1526356 (VCV001526356.5), dbSNP rs535817741, ClinGen allele CA10224823.